The following is an entry in ClinVar:

ClinVar aggregate classification (germline): Pathogenic (1 of 4 stars; one submission).

Conditions:
Tuberous sclerosis 2 (TSC2). Identifiers: Orphanet 805, MedGen C1860707, MONDO:0013199, OMIM 613254.

Submission:

Labcorp Genetics (formerly Invitae), Labcorp
Classification: Pathogenic for Tuberous sclerosis 2. Last evaluated: 2020-11-06. Review status: criteria provided, single submitter. Criteria: Invitae Variant Classification Sherloc (09022015). Collection method: clinical testing. Allele origin: germline.
Comment: This sequence change creates a premature translational stop signal (p.Tyr686*) in the TSC2 gene. It is expected to result in an absent or disrupted protein product. Loss-of-function variants in TSC2 are known to be pathogenic (PMID: 10205261, 17304050). This variant is not present in population databases (ExAC no frequency). This variant has not been reported in the literature in individuals with TSC2-related conditions. For these reasons, this variant has been classified as Pathogenic.

Literature cited by the submitters: PubMed 10205261; PubMed 17304050.

NM_000548.5(TSC2):c.2058C>A (p.Tyr686Ter)

Gene: TSC2 (TSC complex subunit 2; plus strand). Cytogenetic location: 16p13.3.
Variant type: single nucleotide variant.
Coding change: c.2058C>A on transcript NM_000548.5 (MANE Select); coding-DNA position 2058, C replaced by A.
Protein change: p.Tyr686Ter; replaces tyrosine 686 with a stop codon.
Molecular consequence: nonsense.
Genome position (GRCh38, 1-based): chr16:2,071,895, C>A. VCF-style: chr16-2071895-C-A. GRCh37 (hg19) VCF-style: chr16-2121896-C-A.
Other names: c.2058C>A, p.Tyr686Ter (NM_001077183.3, NM_001114382.3, NM_001363528.2 and 3 more transcripts); c.1947C>A, p.Tyr649Ter (NM_001318827.2); c.1911C>A, p.Tyr637Ter (NM_001318829.2); c.1458C>A, p.Tyr486Ter (NM_001318831.2); c.2091C>A, p.Tyr697Ter (NM_001318832.2); short protein forms Y486*, Y697*, Y637*, Y649*, Y686*.
Identifiers: ClinVar variation 1440861 (VCV001440861.6), dbSNP rs1186913814, ClinGen allele CA394274627.